The following is an entry in ClinVar:

ClinVar aggregate classification (germline): Uncertain significance. Review status: criteria provided, multiple submitters, no conflicts (2 of 4 stars). 3 submissions from 3 submitters: Uncertain significance (3). Last evaluated 2025-07-15.

Conditions:
Inborn genetic diseases. Identifiers: MedGen C0950123, MeSH D030342.

Allele frequency attached by ClinVar (database versions not stated): ExAC 0.00001; gnomAD exomes 0.00001 and 0.00002; gnomAD 0.00003 and 0.00004; TOPMed 0.00005.
gnomAD v4.1: 25 of 1,614,046 alleles (0.0015%); highest among the groups gnomAD compares: Non-Finnish European, 0.002%; no homozygotes.

Submissions (3):

Ambry Genetics
Classification: Uncertain significance for Inborn genetic diseases. Last evaluated: 2025-07-15. Review status: criteria provided, single submitter. Criteria: Ambry Variant Classification Scheme 2023. Collection method: clinical testing. Allele origin: germline.

Labcorp Genetics (formerly Invitae), Labcorp
Classification: Uncertain significance. Last evaluated: 2023-08-24. Review status: criteria provided, single submitter. Criteria: Invitae Variant Classification Sherloc (09022015). Collection method: clinical testing. Allele origin: germline.
Comment: In summary, the available evidence is currently insufficient to determine the role of this variant in disease. Therefore, it has been classified as a Variant of Uncertain Significance. This sequence change replaces valine, which is neutral and non-polar, with leucine, which is neutral and non-polar, at codon 469 of the CNGB1 protein (p.Val469Leu). This variant is present in population databases (rs774061456, gnomAD 0.004%). This variant has not been reported in the literature in individuals affected with CNGB1-related conditions. ClinVar contains an entry for this variant (Variation ID: 1402592). Advanced modeling of protein sequence and biophysical properties (such as structural, functional, and spatial information, amino acid conservation, physicochemical variation, residue mobility, and thermodynamic stability) performed at Invitae indicates that this missense variant is not expected to disrupt CNGB1 protein function.

Blueprint Genetics
Classification: Uncertain significance. Last evaluated: 2021-08-25. Review status: criteria provided, single submitter. Criteria: ACMG Guidelines, 2015. Collection method: clinical testing. Allele origin: germline.

NM_001297.5(CNGB1):c.1405G>T (p.Val469Leu)

Gene: CNGB1 (cyclic nucleotide gated channel subunit beta 1; minus strand). Cytogenetic location: 16q21.
Variant type: single nucleotide variant.
Coding change: c.1405G>T on transcript NM_001297.5 (MANE Select); coding-DNA position 1405, G replaced by T.
Protein change: p.Val469Leu; replaces valine 469 with leucine.
Molecular consequence: missense variant.
Genome position (GRCh38, 1-based): chr16:57,931,846, C>A on the plus strand (G>T on the coding strand, the complement: CNGB1 is on the minus strand). VCF-style: chr16-57931846-C-A. GRCh37 (hg19) VCF-style: chr16-57965750-C-A.
Other names: c.1387G>T, p.Val463Leu (NM_001286130.2); c.1405G>T (NM_001297.4); short protein forms V463L, V469L.
Identifiers: ClinVar variation 1402592 (VCV001402592.6), dbSNP rs774061456, ClinGen allele CA8083437.